The following is an entry in ClinVar:

NM_002972.4(SBF1):c.1792C>A (p.Arg598Ser)

Gene: SBF1 (SET binding factor 1; minus strand). Cytogenetic location: 22q13.33.
Variant type: single nucleotide variant.
Coding change: c.1792C>A on transcript NM_002972.4 (MANE Select); coding-DNA position 1792, C replaced by A.
Protein change: p.Arg598Ser; replaces arginine 598 with serine.
Molecular consequence: missense variant.
Genome position (GRCh38, 1-based): chr22:50,463,390, G>T on the plus strand (C>A on the coding strand, the complement: SBF1 is on the minus strand). VCF-style: chr22-50463390-G-T. GRCh37 (hg19) VCF-style: chr22-50901819-G-T.
Other names: c.1795C>A, p.Arg599Ser (NM_001365819.1, NM_001410794.1); c.1792C>A, p.Arg598Ser (NM_001410795.1); short protein forms R598S, R599S.
Identifiers: ClinVar variation 3393740 (VCV003393740.1).

ClinVar aggregate classification (germline): Uncertain significance (1 of 4 stars; one submission).

Submission:

GeneDx
Classification: Uncertain significance. Last evaluated: 2024-07-01. Review status: criteria provided, single submitter. Criteria: GeneDx Variant Classification Process June 2021. Collection method: clinical testing. Allele origin: germline. Affected: yes.
Comment: Not observed at significant frequency in large population cohorts (gnomAD); In silico analysis supports that this missense variant has a deleterious effect on protein structure/function; Has not been previously published as pathogenic or benign to our knowledge